The following is an entry in ClinVar:

ClinVar aggregate classification (germline): Uncertain significance (1 of 4 stars; one submission).

Conditions:
Cystic fibrosis (CF). Also called: MUCOVISCIDOSIS. Identifiers: Orphanet 586, MedGen C0010674, MONDO:0009061, OMIM 219700. Disease mechanism: loss of function.

gnomAD v4.1: 2 of 1,614,110 alleles (0.00012%); highest among the groups gnomAD compares: East Asian, 0.0022%; no homozygotes.

Submission:

Labcorp Genetics (formerly Invitae), Labcorp
Classification: Uncertain significance for Cystic fibrosis. Last evaluated: 2024-09-21. Review status: criteria provided, single submitter. Criteria: Invitae Variant Classification Sherloc (09022015). Collection method: clinical testing. Allele origin: germline.
Comment: This sequence change replaces methionine, which is neutral and non-polar, with valine, which is neutral and non-polar, at codon 244 of the CFTR protein (p.Met244Val). This variant is present in population databases (rs562538994, gnomAD 0.006%). This variant has not been reported in the literature in individuals affected with CFTR-related conditions. Invitae Evidence Modeling of protein sequence and biophysical properties (such as structural, functional, and spatial information, amino acid conservation, physicochemical variation, residue mobility, and thermodynamic stability) indicates that this missense variant is expected to disrupt CFTR protein function with a positive predictive value of 80%. In summary, the available evidence is currently insufficient to determine the role of this variant in disease. Therefore, it has been classified as a Variant of Uncertain Significance.

NM_000492.4(CFTR):c.730A>G (p.Met244Val)

Gene: CFTR (CF transmembrane conductance regulator; plus strand). Cytogenetic location: 7q31.2.
Variant type: single nucleotide variant.
Coding change: c.730A>G on transcript NM_000492.4 (MANE Select); coding-DNA position 730, A replaced by G.
Protein change: p.Met244Val; replaces methionine 244 with valine.
Molecular consequence: missense variant.
Genome position (GRCh38, 1-based): chr7:117,535,398, A>G. VCF-style: chr7-117535398-A-G. GRCh37 (hg19) VCF-style: chr7-117175452-A-G.
Other names: short protein forms M244V.
Identifiers: ClinVar variation 3708054 (VCV003708054.2).